The following is an entry in ClinVar:

NM_003839.4(TNFRSF11A):c.365A>G (p.Gln122Arg)

Gene: TNFRSF11A (TNF receptor superfamily member 11a; plus strand). Cytogenetic location: 18q21.33.
Variant type: single nucleotide variant.
Coding change: c.365A>G on transcript NM_003839.4 (MANE Select); coding-DNA position 365, A replaced by G.
Protein change: p.Gln122Arg; replaces glutamine 122 with arginine.
Molecular consequence: missense variant.
Genome position (GRCh38, 1-based): chr18:62,354,472, A>G. VCF-style: chr18-62354472-A-G. GRCh37 (hg19) VCF-style: chr18-60021705-A-G.
Other names: c.365A>G, p.Gln122Arg (NM_001270949.2, NM_001270950.2, NM_001270951.2 and 1 more transcripts); short protein forms Q122R.
Identifiers: ClinVar variation 4774124 (VCV004774124.1).

ClinVar aggregate classification (germline): Uncertain significance (1 of 4 stars; one submission).

gnomAD v4.1: 7 of 1,601,430 alleles (0.00044%); highest among the groups gnomAD compares: African/African-American, 0.0053%; 1 homozygote.

Submission:

Labcorp Genetics (formerly Invitae), Labcorp
Classification: Uncertain significance. Last evaluated: 2025-11-18. Review status: criteria provided, single submitter. Criteria: Invitae Variant Classification Sherloc (09022015). Collection method: clinical testing. Allele origin: germline.
Comment: This sequence change replaces glutamine, which is neutral and polar, with arginine, which is basic and polar, at codon 122 of the TNFRSF11A protein (p.Gln122Arg). The frequency data for this variant in the population databases is considered unreliable, as metrics indicate poor data quality at this position in the gnomAD database. This variant has not been reported in the literature in individuals affected with TNFRSF11A-related conditions. Invitae Evidence Modeling of protein sequence and biophysical properties (such as structural, functional, and spatial information, amino acid conservation, physicochemical variation, residue mobility, and thermodynamic stability) indicates that this missense variant is not expected to disrupt TNFRSF11A protein function with a negative predictive value of 80%. In summary, the available evidence is currently insufficient to determine the role of this variant in disease. Therefore, it has been classified as a Variant of Uncertain Significance.